The following is an entry in ClinVar:

ClinVar aggregate classification (germline): Conflicting classifications of pathogenicity. Review status: criteria provided, conflicting classifications (1 of 4 stars). 3 submissions from 3 submitters: Uncertain significance (1); Likely benign (1). 1 of the submissions does not count toward it. Last evaluated 2025-12-16.

Conditions:
Bethlem myopathy 1A. Also called: MYOPATHY, BENIGN CONGENITAL, WITH CONTRACTURES; Bethlem Muscular Dystrophy; Bethlem myopathy 1. Identifiers: Orphanet 610, MedGen CN029274, MONDO:0024530, OMIM 158810.
Collagen 6-related myopathy. Identifiers: MedGen CN117976, MONDO:0100225.
COL6A2-related disorder.

Allele frequency attached by ClinVar (database versions not stated): ExAC 0.00002.
gnomAD v4.1: 204 of 1,612,746 alleles (0.013%); highest among the groups gnomAD compares: Non-Finnish European, 0.016%; 1 homozygote.

Submissions (3):

Labcorp Genetics (formerly Invitae), Labcorp
Classification: Likely benign for Bethlem myopathy 1A. Last evaluated: 2025-12-16. Review status: criteria provided, single submitter. Criteria: Invitae Variant Classification Sherloc (09022015). Collection method: clinical testing. Allele origin: germline.

Illumina Laboratory Services, Illumina
Classification: Uncertain significance for Collagen VI-related myopathy. Last evaluated: 2018-01-12. Review status: criteria provided, single submitter. Criteria: ICSL Variant Classification Criteria 13 December 2019. Collection method: clinical testing. Allele origin: germline.

PreventionGenetics, part of Exact Sciences
Classification: Likely benign for COL6A2-related condition. Last evaluated: 2022-07-08. Review status: no assertion criteria provided. Collection method: clinical testing. Allele origin: germline. Not counted in ClinVar's aggregate classification.
Comment: This variant is classified as likely benign based on ACMG/AMP sequence variant interpretation guidelines (Richards et al. 2015 PMID: 25741868, with internal and published modifications).

NM_001849.4(COL6A2):c.1743C>T (p.Pro581=)

Gene: COL6A2 (collagen type VI alpha 2 chain; plus strand). Cytogenetic location: 21q22.3.
Variant type: single nucleotide variant.
Coding change: c.1743C>T on transcript NM_001849.4 (MANE Select); coding-DNA position 1743, C replaced by T.
Protein change: p.Pro581=; no amino-acid change (proline 581 retained).
Molecular consequence: synonymous variant.
Genome position (GRCh38, 1-based): chr21:46,124,893, C>T. VCF-style: chr21-46124893-C-T. GRCh37 (hg19) VCF-style: chr21-47544807-C-T.
Other names: c.1743C>T, p.Pro581= (NM_058174.3, NM_058175.3).
Identifiers: ClinVar variation 895002 (VCV000895002.14), dbSNP rs764878153, ClinGen allele CA10072161.